The following is an entry in ClinVar:

ClinVar aggregate classification (germline): Likely benign (1 of 4 stars; one submission).

gnomAD v4.1: 1,675 of 1,613,822 alleles (0.1%); highest among the groups gnomAD compares: Middle Eastern, 0.13%; 2 homozygotes.

Submission:

CeGaT Center for Human Genetics Tuebingen
Classification: Likely benign. Last evaluated: 2026-07-01. Review status: criteria provided, single submitter. Criteria: CeGaT Center For Human Genetics Tuebingen Variant Classification Criteria Version 2. Collection method: clinical testing. Allele origin: germline. Affected: yes. Observed: 2 variant alleles.
Comment: ADAMTS15: BP4, BS2

NM_139055.4(ADAMTS15):c.1818G>A (p.Lys606=)

Gene: ADAMTS15 (ADAM metallopeptidase with thrombospondin type 1 motif 15; plus strand). Cytogenetic location: 11q24.3.
Variant type: single nucleotide variant.
Coding change: c.1818G>A on transcript NM_139055.4 (MANE Select); coding-DNA position 1818, G replaced by A.
Protein change: p.Lys606=; no amino-acid change (lysine 606 retained).
Molecular consequence: synonymous variant.
Genome position (GRCh38, 1-based): chr11:130,471,017, G>A. VCF-style: chr11-130471017-G-A. GRCh37 (hg19) VCF-style: chr11-130340912-G-A.
Identifiers: ClinVar variation 4083841 (VCV004083841.8).